The following is an entry in ClinVar:

NM_000321.3(RB1):c.199C>T (p.Pro67Ser)

Gene: RB1 (RB transcriptional corepressor 1; plus strand). Cytogenetic location: 13q14.2.
Variant type: single nucleotide variant.
Coding change: c.199C>T on transcript NM_000321.3 (MANE Select); coding-DNA position 199, C replaced by T.
Protein change: p.Pro67Ser; replaces proline 67 with serine.
Molecular consequence: missense variant.
Genome position (GRCh38, 1-based): chr13:48,307,341, C>T. VCF-style: chr13-48307341-C-T. GRCh37 (hg19) VCF-style: chr13-48881477-C-T.
Other names: short protein forms P67S.
Identifiers: ClinVar variation 1047593 (VCV001047593.11), dbSNP rs1952089775, ClinGen allele CA388250562.

ClinVar aggregate classification (germline): Uncertain significance. Review status: criteria provided, multiple submitters, no conflicts (2 of 4 stars). 2 submissions from 2 submitters: Uncertain significance (2). Last evaluated 2022-12-06.

Conditions:
Hereditary cancer-predisposing syndrome. Also called: Hereditary Cancer Syndrome; Tumor predisposition; Hereditary neoplastic syndrome; Neoplastic Syndromes, Hereditary. Identifiers: Orphanet 140162, MedGen C0027672, MeSH D009386, MONDO:0015356.
Retinoblastoma (RB1). Also called: RETINOBLASTOMA, SOMATIC. Identifiers: Orphanet 790, MedGen C0035335, MeSH D012175, MONDO:0008380, OMIM 180200, HP:0009919. Disease mechanism: loss of function. Inheritance: Both sporadic and heritable forms are tested..

Submissions (2):

Labcorp Genetics (formerly Invitae), Labcorp
Classification: Uncertain significance for Retinoblastoma. Last evaluated: 2022-12-06. Review status: criteria provided, single submitter. Criteria: Invitae Variant Classification Sherloc (09022015). Collection method: clinical testing. Allele origin: germline.
Comment: In summary, the available evidence is currently insufficient to determine the role of this variant in disease. Therefore, it has been classified as a Variant of Uncertain Significance. Advanced modeling of protein sequence and biophysical properties (such as structural, functional, and spatial information, amino acid conservation, physicochemical variation, residue mobility, and thermodynamic stability) performed at Invitae indicates that this missense variant is not expected to disrupt RB1 protein function. ClinVar contains an entry for this variant (Variation ID: 1047593). This variant has not been reported in the literature in individuals affected with RB1-related conditions. This variant is not present in population databases (gnomAD no frequency). This sequence change replaces proline, which is neutral and non-polar, with serine, which is neutral and polar, at codon 67 of the RB1 protein (p.Pro67Ser).

Ambry Genetics
Classification: Uncertain significance for Hereditary cancer-predisposing syndrome. Last evaluated: 2020-09-25. Review status: criteria provided, single submitter. Criteria: Ambry Variant Classification Scheme 2023. Collection method: clinical testing. Allele origin: germline.
Comment: The p.P67S variant (also known as c.199C>T), located in coding exon 2 of the RB1 gene, results from a C to T substitution at nucleotide position 199. The proline at codon 67 is replaced by serine, an amino acid with similar properties. This amino acid position is highly conserved in available vertebrate species. In addition, this alteration is predicted to be tolerated by in silico analysis. Since supporting evidence is limited at this time, the clinical significance of this alteration remains unclear.